The following is an entry in ClinVar:

NM_002397.5(MEF2C):c.834+15C>T

Gene: MEF2C (myocyte enhancer factor 2C; minus strand). Cytogenetic location: 5q14.3.
Variant type: single nucleotide variant.
Coding change: c.834+15C>T on transcript NM_002397.5 (MANE Select); 15 bases into the intron after coding-DNA position 834, C replaced by T.
Molecular consequence: intron variant.
Genome position (GRCh38, 1-based): chr5:88,730,196, G>A on the plus strand (C>T on the coding strand, the complement: MEF2C is on the minus strand). VCF-style: chr5-88730196-G-A. GRCh37 (hg19) VCF-style: chr5-88026013-G-A.
Other names: c.834+15C>T (NM_001364329.2, NM_001364330.2, NM_001193350.2 and 9 more transcripts); c.811-849C>T (NM_001364333.2, NM_001308002.3, NM_001364349.2 and 6 more transcripts); c.690+15C>T (NM_001364344.2, NM_001364354.2, NM_001364332.2 and 2 more transcripts); c.456+15C>T (NM_001364353.2, NM_001364356.2); c.805-849C>T (NM_001131005.2, NM_001364352.2, NM_001364343.2); c.865-849C>T (NM_001193347.1, NM_001364338.2); c.667-849C>T (NM_001193348.1); c.385-849C>T (NM_001364357.2).
Identifiers: ClinVar variation 138205 (VCV000138205.11), dbSNP rs140447603, ClinGen allele CA292051.

ClinVar aggregate classification (germline): Benign/Likely benign. Review status: criteria provided, multiple submitters, no conflicts (2 of 4 stars). 4 submissions from 4 submitters: Benign (3); Likely benign (1). Last evaluated 2026-02-01.

Conditions:
Neurodevelopmental disorder with hypotonia, stereotypic hand movements, and impaired language. Also called: Intellectual disability, autosomal dominant 20. Identifiers: Orphanet 228384, Orphanet 664410, MedGen C3150700, MONDO:0013266, OMIM 613443.

Allele frequency attached by ClinVar (database versions not stated): gnomAD exomes 0.00018 and 0.00028; ESP Exome Variant Server 0.00066; ExAC 0.00085; gnomAD 0.00093 and 0.00097; TOPMed 0.00135; 1000 Genomes Project 0.00220; 1000 Genomes Project 30x 0.00234.
gnomAD v4.1: 411 of 1,580,340 alleles (0.026%); highest among the groups gnomAD compares: African/African-American, 0.42%; 2 homozygotes.

Submissions (4):

Labcorp Genetics (formerly Invitae), Labcorp
Classification: Benign for Neurodevelopmental disorder with hypotonia, stereotypic hand movements, and impaired language. Last evaluated: 2026-02-01. Review status: criteria provided, single submitter. Criteria: Invitae Variant Classification Sherloc (09022015). Collection method: clinical testing. Allele origin: germline.

Blueprint Genetics
Classification: Likely benign. Last evaluated: 2024-10-09. Review status: criteria provided, single submitter. Criteria: ACMG Guidelines, 2015. Collection method: clinical testing. Allele origin: germline.

ARUP Laboratories, Molecular Genetics and Genomics, ARUP Laboratories
Classification: Benign. Last evaluated: 2024-04-26. Review status: criteria provided, single submitter. Criteria: ARUP Molecular Germline Variant Investigation Process 2024. Collection method: clinical testing. Allele origin: germline.

GeneDx
Classification: Benign. Last evaluated: 2013-12-27. Review status: criteria provided, single submitter. Criteria: GeneDx Variant Classification (06012015). Collection method: clinical testing. Allele origin: germline. Affected: yes.
Comment: This variant is considered likely benign or benign based on one or more of the following criteria: it is a conservative change, it occurs at a poorly conserved position in the protein, it is predicted to be benign by multiple in silico algorithms, and/or has population frequency not consistent with disease.